The following is an entry in ClinVar:

ClinVar aggregate classification (germline): Uncertain significance. Review status: criteria provided, multiple submitters, no conflicts (2 of 4 stars). 2 submissions from 2 submitters: Uncertain significance (2). Last evaluated 2025-12-22.

Conditions:
Hereditary cancer-predisposing syndrome. Also called: Hereditary neoplastic syndrome; Tumor predisposition; Neoplastic Syndromes, Hereditary; Hereditary Cancer Syndrome. Identifiers: Orphanet 140162, MedGen C0027672, MeSH D009386, MONDO:0015356.
Peutz-Jeghers syndrome (PJS). Also called: Peutz-Jeghers polyposis; Periorificial lentiginosis syndrome; POLYPOSIS, HAMARTOMATOUS INTESTINAL; POLYPS-AND-SPOTS SYNDROME. Identifiers: Orphanet 2869, MedGen C0031269, MeSH D010580, MONDO:0008280, OMIM 175200.

Submissions (2):

Ambry Genetics
Classification: Uncertain significance for Hereditary cancer-predisposing syndrome. Last evaluated: 2025-12-22. Review status: criteria provided, single submitter. Criteria: Ambry Variant Classification Scheme 2023. Collection method: clinical testing. Allele origin: germline.
Comment: The p.S307R variant (also known as c.921C>G) is located in coding exon 8 of the STK11 gene. The serine at codon 307 is replaced by arginine, an amino acid with dissimilar properties. This change occurs in the first base pair of coding exon 8. This amino acid position is not well conserved in available vertebrate species. In addition, this alteration is predicted to be tolerated by in silico analysis. Based on the available evidence, the clinical significance of this variant remains unclear.

Labcorp Genetics (formerly Invitae), Labcorp
Classification: Uncertain significance for Peutz-Jeghers syndrome. Last evaluated: 2023-08-14. Review status: criteria provided, single submitter. Criteria: Invitae Variant Classification Sherloc (09022015). Collection method: clinical testing. Allele origin: germline.
Comment: This sequence change replaces serine, which is neutral and polar, with arginine, which is basic and polar, at codon 307 of the STK11 protein (p.Ser307Arg). This variant is not present in population databases (gnomAD no frequency). This variant has not been reported in the literature in individuals affected with STK11-related conditions. ClinVar contains an entry for this variant (Variation ID: 1347895). An algorithm developed to predict the effect of missense changes on protein structure and function (PolyPhen-2) suggests that this variant is likely to be tolerated. Algorithms developed to predict the effect of sequence changes on RNA splicing suggest that this variant may disrupt the consensus splice site. In summary, the available evidence is currently insufficient to determine the role of this variant in disease. Therefore, it has been classified as a Variant of Uncertain Significance.

NM_000455.5(STK11):c.921C>G (p.Ser307Arg)

Gene: STK11 (serine/threonine kinase 11; plus strand). Cytogenetic location: 19p13.3.
Variant type: single nucleotide variant.
Coding change: c.921C>G on transcript NM_000455.5 (MANE Select); coding-DNA position 921, C replaced by G.
Protein change: p.Ser307Arg; replaces serine 307 with arginine.
Molecular consequence: missense variant.
Genome position (GRCh38, 1-based): chr19:1,222,985, C>G. VCF-style: chr19-1222985-C-G. GRCh37 (hg19) VCF-style: chr19-1222984-C-G.
Other names: short protein forms S307R.
Identifiers: ClinVar variation 1347895 (VCV001347895.11), dbSNP rs2145430611, ClinGen allele CA402951418.
Genomic context (GRCh38, chr19:1,222,985, plus strand): 5'-GGAAAACTGGACCGCCCTGGTGCCAGCCTGACAGGCGCCACTGCTTCTGGGCGTTTGCAG[C>G]TGGTTCCGGAAGAAACATCCTCCGGCTGAAGCACCAGTGCCCATCCCACCGAGCCCAGAC-3'
Protein context (NP_000446.1, residues 297-317): RFSIRQIRQH[Ser307Arg]WFRKKHPPAE